The following is an entry in ClinVar:

NM_000263.4(NAGLU):c.617A>G (p.Asn206Ser)

Gene: NAGLU (N-acetyl-alpha-glucosaminidase; plus strand). Cytogenetic location: 17q21.2.
Variant type: single nucleotide variant.
Coding change: c.617A>G on transcript NM_000263.4 (MANE Select); coding-DNA position 617, A replaced by G.
Protein change: p.Asn206Ser; replaces asparagine 206 with serine.
Molecular consequence: missense variant.
Genome position (GRCh38, 1-based): chr17:42,538,424, A>G. VCF-style: chr17-42538424-A-G. GRCh37 (hg19) VCF-style: chr17-40690442-A-G.
Other names: c.617A>G (NM_000263.3); short protein forms N206S.
Identifiers: ClinVar variation 1357261 (VCV001357261.6), dbSNP rs1291552393, ClinGen allele CA399598562.

ClinVar aggregate classification (germline): Uncertain significance. Review status: criteria provided, multiple submitters, no conflicts (2 of 4 stars). 2 submissions from 2 submitters: Uncertain significance (2). Last evaluated 2024-04-17.

Conditions:
Charcot-Marie-Tooth disease axonal type 2V. Also called: CHARCOT-MARIE-TOOTH NEUROPATHY, TYPE 2V; CHARCOT-MARIE-TOOTH DISEASE, AXONAL, AUTOSOMAL DOMINANT, TYPE 2V. Identifiers: Orphanet 447964, MedGen C5569050, MONDO:0014665, OMIM 616491.
Mucopolysaccharidosis, MPS-III-B (MPS3B). Also called: MPS IIIB (Sanfilippo Syndrome Type B); N-ACETYL-ALPHA-D-GLUCOSAMINIDASE DEFICIENCY; NAGLU DEFICIENCY; MUCOPOLYSACCHARIDOSIS, TYPE IIIB; Mucopolysaccharidosis type IIIB (Sanfilippo B); SANFILIPPO SYNDROME B. Identifiers: Orphanet 79270, MedGen C0086648, MONDO:0009656, OMIM 252920.
Inborn genetic diseases. Identifiers: MedGen C0950123, MeSH D030342.

Allele frequency attached by ClinVar (database versions not stated): gnomAD exomes below 0.00001; TOPMed 0.00002.
gnomAD v4.1: 3 of 1,614,080 alleles (0.00019%); highest among the groups gnomAD compares: African/African-American, 0.0013%; no homozygotes.

Submissions (2):

Labcorp Genetics (formerly Invitae), Labcorp
Classification: Uncertain significance for Charcot-Marie-Tooth disease axonal type 2V; Mucopolysaccharidosis, MPS-III-B. Last evaluated: 2024-04-17. Review status: criteria provided, single submitter. Criteria: Invitae Variant Classification Sherloc (09022015). Collection method: clinical testing. Allele origin: germline.
Comment: This sequence change replaces asparagine, which is neutral and polar, with serine, which is neutral and polar, at codon 206 of the NAGLU protein (p.Asn206Ser). This variant is not present in population databases (gnomAD no frequency). This variant has not been reported in the literature in individuals affected with NAGLU-related conditions. ClinVar contains an entry for this variant (Variation ID: 1357261). Advanced modeling of protein sequence and biophysical properties (such as structural, functional, and spatial information, amino acid conservation, physicochemical variation, residue mobility, and thermodynamic stability) performed at Invitae indicates that this missense variant is expected to disrupt NAGLU protein function with a positive predictive value of 80%. In summary, the available evidence is currently insufficient to determine the role of this variant in disease. Therefore, it has been classified as a Variant of Uncertain Significance.

Ambry Genetics
Classification: Uncertain significance for Inborn genetic diseases. Last evaluated: 2022-01-05. Review status: criteria provided, single submitter. Criteria: Ambry Variant Classification Scheme 2023. Collection method: clinical testing. Allele origin: germline.